The following is an entry in ClinVar:

ClinVar aggregate classification (germline): Likely pathogenic (1 of 4 stars; one submission).

Conditions:
Kabuki syndrome. Also called: NIIKAWA-KUROKI SYNDROME; Kabuki make-up syndrome. Identifiers: Orphanet 2322, MedGen C0796004, MONDO:0016512.

Submission:

Labcorp Genetics (formerly Invitae), Labcorp
Classification: Likely pathogenic for Kabuki syndrome. Last evaluated: 2026-01-17. Review status: criteria provided, single submitter. Criteria: Invitae Variant Classification Sherloc (09022015). Collection method: clinical testing. Allele origin: germline.
Comment: This sequence change replaces glutamine, which is neutral and polar, with histidine, which is basic and polar, at codon 170 of the KMT2D protein (p.Gln170His). This variant also falls at the last nucleotide of exon 4, which is part of the consensus splice site for this exon. This variant is not present in population databases (gnomAD no frequency). This missense change has been observed in individual(s) with Kabuki syndrome (PMID: 23320472, 30459467, 32803813; internal data). Experimental studies and prediction algorithms are not available or were not evaluated, and the functional significance of this variant is currently unknown. Variants that disrupt the consensus splice site are a relatively common cause of aberrant splicing (PMID: 17576681, 9536098). Algorithms developed to predict the effect of sequence changes on RNA splicing suggest that this variant may disrupt the consensus splice site. This variant disrupts the c.510G nucleotide in the KMT2D gene. Other variant(s) that disrupt this nucleotide have been determined to be pathogenic (PMID: 23320472). This suggests that this nucleotide is clinically significant, and that variants that disrupt this position are likely to be disease-causing. In summary, the currently available evidence indicates that the variant is pathogenic, but additional data are needed to prove that conclusively. Therefore, this variant has been classified as Likely Pathogenic.

Literature cited by the submitters: PubMed 23320472; PubMed 30459467; PubMed 32803813; PubMed 17576681; PubMed 9536098.

NM_003482.4(KMT2D):c.510G>T (p.Gln170His)

Gene: KMT2D (lysine methyltransferase 2D; minus strand). Cytogenetic location: 12q13.12.
Variant type: single nucleotide variant.
Coding change: c.510G>T on transcript NM_003482.4 (MANE Select); coding-DNA position 510, G replaced by T.
Protein change: p.Gln170His; replaces glutamine 170 with histidine.
Molecular consequence: missense variant.
Genome position (GRCh38, 1-based): chr12:49,054,307, C>A on the plus strand (G>T on the coding strand, the complement: KMT2D is on the minus strand). VCF-style: chr12-49054307-C-A. GRCh37 (hg19) VCF-style: chr12-49448090-C-A.
Other names: short protein forms Q170H.
Identifiers: ClinVar variation 4763854 (VCV004763854.1).